The following is an entry in ClinVar:

NC_000002.11:g.(?_50850729)_(50947381_?)del

Gene: NRXN1 (neurexin 1; minus strand). Cytogenetic location: 2p16.3.
Variant type: Deletion.
Identifiers: ClinVar variation 3247393 (VCV003247393.1).

ClinVar aggregate classification (germline): Likely pathogenic (1 of 4 stars; one submission).

Conditions:
Pitt-Hopkins-like syndrome 2 (PTHSL2). Identifiers: Orphanet 221150, Orphanet 600663, MedGen C3280479, MONDO:0013690, OMIM 614325.

Submission:

Labcorp Genetics (formerly Invitae), Labcorp
Classification: Likely pathogenic for Pitt-Hopkins-like syndrome 2. Last evaluated: 2023-11-28. Review status: criteria provided, single submitter. Criteria: Invitae Variant Classification Sherloc (09022015). Collection method: clinical testing. Allele origin: unknown.
Comment: This variant results in the deletion of part of exon 7 (c.932-96628_956del) of the NRXN1 gene. It is expected to disrupt RNA splicing. Variants that disrupt the donor or acceptor splice site typically lead to a loss of protein function (PMID: 16199547), and loss-of-function variants in NRXN1 are known to be pathogenic (PMID: 19896112, 21964664, 23495017, 23533028, 25149956, 30031152). This variant has not been reported in the literature in individuals affected with NRXN1-related conditions. In summary, the currently available evidence indicates that the variant is pathogenic, but additional data are needed to prove that conclusively. Therefore, this variant has been classified as Likely Pathogenic.

Literature cited by the submitters: PubMed 16199547; PubMed 19896112; PubMed 21964664; PubMed 23495017; PubMed 23533028; PubMed 25149956; PubMed 30031152.